The following is an entry in ClinVar:

NM_001142800.2(EYS):c.95G>A (p.Trp32Ter)

Gene: EYS (EGF-like photoreceptor maintenance factor; minus strand). Cytogenetic location: 6q12.
Variant type: single nucleotide variant.
Coding change: c.95G>A on transcript NM_001142800.2 (MANE Select); coding-DNA position 95, G replaced by A.
Protein change: p.Trp32Ter; replaces tryptophan 32 with a stop codon.
Molecular consequence: nonsense.
Genome position (GRCh38, 1-based): chr6:65,495,316, C>T on the plus strand (G>A on the coding strand, the complement: EYS is on the minus strand). VCF-style: chr6-65495316-C-T. GRCh37 (hg19) VCF-style: chr6-66205209-C-T.
Other names: c.95G>A, p.Trp32Ter (NM_001142801.2, NM_001292009.2, NM_198283.2); short protein forms W32*.
Identifiers: ClinVar variation 2675232 (VCV002675232.3), dbSNP rs2533030462, ClinGen allele CA364790666.
Genomic context (GRCh38, chr6:65,495,316, plus strand): 5'-TCCAAGCAGATGTTTTCTGTTAGTGTCCAATTTACCACATATGATGAGGGTTGTGGATGC[C>T]ATTCTTCCACCAATTGCCGTCTACATGTTTTTCCATTTATGAAAGAGCTGTGAAAAACCA-3'

ClinVar aggregate classification (germline): Pathogenic/Likely pathogenic. Review status: criteria provided, multiple submitters, no conflicts (2 of 4 stars). 2 submissions from 2 submitters: Pathogenic (1); Likely pathogenic (1). Last evaluated 2024-12-30.

Conditions:
Retinitis pigmentosa 25 (RP25). Identifiers: Orphanet 791, MedGen C1864446, MONDO:0011272, OMIM 602772.

Submissions (2):

Labcorp Genetics (formerly Invitae), Labcorp
Classification: Pathogenic. Last evaluated: 2024-12-30. Review status: criteria provided, single submitter. Criteria: Invitae Variant Classification Sherloc (09022015). Collection method: clinical testing. Allele origin: germline.
Comment: This sequence change creates a premature translational stop signal (p.Trp32*) in the EYS gene. It is expected to result in an absent or disrupted protein product. Loss-of-function variants in EYS are known to be pathogenic (PMID: 18836446, 20333770). This variant is not present in population databases (gnomAD no frequency). This variant has not been reported in the literature in individuals affected with EYS-related conditions. ClinVar contains an entry for this variant (Variation ID: 2675232). For these reasons, this variant has been classified as Pathogenic.

Baylor Genetics
Classification: Likely pathogenic for Retinitis pigmentosa 25. Last evaluated: 2023-10-30. Review status: criteria provided, single submitter. Criteria: ACMG Guidelines, 2015. Collection method: clinical testing. Allele origin: unknown.

Literature cited by the submitters: PubMed 18836446 (cited by Labcorp Genetics (formerly Invitae), Labcorp); PubMed 20333770 (cited by Labcorp Genetics (formerly Invitae), Labcorp).